The following is an entry in ClinVar:

ClinVar aggregate classification (germline): Uncertain significance (1 of 4 stars; one submission).

Conditions:
MHC class I deficiency. Identifiers: Orphanet 34592, MedGen C6024714, MONDO:0011476.

Allele frequency attached by ClinVar (database versions not stated): TOPMed 0.00001.
gnomAD v4.1: 2 of 1,612,216 alleles (0.00012%); no homozygotes.

Submission:

Labcorp Genetics (formerly Invitae), Labcorp
Classification: Uncertain significance for MHC class I deficiency 1. Last evaluated: 2019-07-04. Review status: criteria provided, single submitter. Criteria: Invitae Variant Classification Sherloc (09022015). Collection method: clinical testing. Allele origin: germline.
Comment: In summary, the available evidence is currently insufficient to determine the role of this variant in disease. Therefore, it has been classified as a Variant of Uncertain Significance. Algorithms developed to predict the effect of missense changes on protein structure and function are either unavailable or do not agree on the potential impact of this missense change (SIFT: "Deleterious"; PolyPhen-2: "Not Available"; Align-GVGD: "Class C0"). This variant has not been reported in the literature in individuals with TAP2-related conditions. This variant is not present in population databases (ExAC no frequency). This sequence change replaces leucine with histidine at codon 69 of the TAP2 protein (p.Leu69His). The leucine residue is highly conserved and there is a moderate physicochemical difference between leucine and histidine.

NM_001290043.2(TAP2):c.206T>A (p.Leu69His)

Gene: TAP2 (transporter 2, ATP binding cassette subfamily B member; minus strand). Cytogenetic location: 6p21.32.
Variant type: single nucleotide variant.
Coding change: c.206T>A on transcript NM_001290043.2 (MANE Select); coding-DNA position 206, T replaced by A.
Protein change: p.Leu69His; replaces leucine 69 with histidine.
Molecular consequence: missense variant.
Genome position (GRCh38, 1-based): chr6:32,838,028, A>T on the plus strand (T>A on the coding strand, the complement: TAP2 is on the minus strand). VCF-style: chr6-32838028-A-T. GRCh37 (hg19) VCF-style: chr6-32805805-A-T.
Other names: c.206T>A, p.Leu69His (NM_000544.3, NM_018833.3); short protein forms L69H.
Identifiers: ClinVar variation 950464 (VCV000950464.9), dbSNP rs1243711584, ClinGen allele CA363587023.